The following is an entry in ClinVar:

NM_000548.5(TSC2):c.24_25insA (p.Ser9fs)

Gene: TSC2 (TSC complex subunit 2; plus strand). Cytogenetic location: 16p13.3.
Variant type: Insertion.
Coding change: c.24_25insA on transcript NM_000548.5 (MANE Select); coding-DNA positions 24 to 25, A inserted.
Protein change: p.Ser9fs; shifts the reading frame from serine 9.
Molecular consequence: frameshift variant. On other transcripts: 5 prime UTR variant (19), non-coding transcript variant (5), intron variant (6).
Genome position: GRCh38 VCF-style: chr16-2048639-T-TA. GRCh37 (hg19) VCF-style: chr16-2098640-T-TA.
Other names: c.24_25insA, p.Ser9fs (NM_001077183.3, NM_001114382.3, NM_001318827.2 and 13 more transcripts); c.-203_-202insA (NM_001318831.2, NM_001406682.1, NM_001406684.1 and 2 more transcripts); c.57_58insA, p.Ser20fs (NM_001318832.2); c.-793_-792insA (NM_001406680.1, NM_001406683.1, NM_001406687.1); c.-422_-421insA (NM_001406681.1); c.-1408_-1407insA (NM_001406689.1, NM_001406690.1, NM_001406691.1 and 2 more transcripts); c.-1714_-1713insA (NM_001406693.1); c.-1289_-1288insA (NM_001406694.1, NM_001406695.1); and 4 more; short protein forms S20fs, S9fs.
Identifiers: ClinVar variation 3652341 (VCV003652341.2).

ClinVar aggregate classification (germline): Pathogenic (1 of 4 stars; one submission).

Conditions:
Tuberous sclerosis 2 (TSC2). Identifiers: Orphanet 805, MedGen C1860707, MONDO:0013199, OMIM 613254.

Submission:

Labcorp Genetics (formerly Invitae), Labcorp
Classification: Pathogenic for Tuberous sclerosis 2. Last evaluated: 2024-10-11. Review status: criteria provided, single submitter. Criteria: Invitae Variant Classification Sherloc (09022015). Collection method: clinical testing. Allele origin: germline.
Comment: This sequence change creates a premature translational stop signal (p.Ser9Ilefs*8) in the TSC2 gene. It is expected to result in an absent or disrupted protein product. Loss-of-function variants in TSC2 are known to be pathogenic (PMID: 10205261, 17304050). This variant is not present in population databases (gnomAD no frequency). This variant has not been reported in the literature in individuals affected with TSC2-related conditions. For these reasons, this variant has been classified as Pathogenic.

Literature cited by the submitters: PubMed 10205261; PubMed 17304050.